The following is an entry in ClinVar:

ClinVar aggregate classification (germline): Uncertain significance (1 of 4 stars; one submission).

gnomAD v4.1: 13 of 1,536,538 alleles (0.00085%); highest among the groups gnomAD compares: Middle Eastern, 0.05%; no homozygotes.

Submission:

Labcorp Genetics (formerly Invitae), Labcorp
Classification: Uncertain significance. Last evaluated: 2024-08-12. Review status: criteria provided, single submitter. Criteria: Invitae Variant Classification Sherloc (09022015). Collection method: clinical testing. Allele origin: germline.
Comment: The FMN1 gene has multiple clinically relevant transcripts. This variant occurs in alternate transcript NM_001277314.1, and corresponds to NM_001103184.3:c.-85948C>T in the primary transcript. This sequence change affects codon 361 of the FMN1 mRNA. It is a 'silent' change, meaning that it does not change the encoded amino acid sequence of the FMN1 protein. This variant is present in population databases (no rsID available, gnomAD 0.007%). This variant has not been reported in the literature in individuals affected with FMN1-related conditions. Experimental studies and prediction algorithms are not available or were not evaluated, and the effect of this variant on mRNA splicing is currently unknown. In summary, the available evidence is currently insufficient to determine the role of this variant in disease. Therefore, it has been classified as a Variant of Uncertain Significance.

NM_001277313.2(FMN1):c.1083C>T (p.His361=)

Gene: FMN1 (formin 1; minus strand). Cytogenetic location: 15q13.3.
Variant type: single nucleotide variant.
Coding change: c.1083C>T on transcript NM_001277313.2 (MANE Select); coding-DNA position 1083, C replaced by T.
Protein change: p.His361=; no amino-acid change (histidine 361 retained).
Molecular consequence: synonymous variant.
Genome position (GRCh38, 1-based): chr15:33,153,832, G>A on the plus strand (C>T on the coding strand, the complement: FMN1 is on the minus strand). VCF-style: chr15-33153832-G-A. GRCh37 (hg19) VCF-style: chr15-33446033-G-A.
Other names: c.1083C>T, p.His361= (NM_001277314.2).
Identifiers: ClinVar variation 3616061 (VCV003616061.2).